The following is an entry in ClinVar:

NM_020529.3(NFKBIA):c.508C>T (p.Pro170Ser)

Gene: NFKBIA (NFKB inhibitor alpha; minus strand). Cytogenetic location: 14q13.2.
Variant type: single nucleotide variant.
Coding change: c.508C>T on transcript NM_020529.3 (MANE Select); coding-DNA position 508, C replaced by T.
Protein change: p.Pro170Ser; replaces proline 170 with serine.
Molecular consequence: missense variant.
Genome position (GRCh38, 1-based): chr14:35,403,189, G>A on the plus strand (C>T on the coding strand, the complement: NFKBIA is on the minus strand). VCF-style: chr14-35403189-G-A. GRCh37 (hg19) VCF-style: chr14-35872395-G-A.
Other names: short protein forms P170S.
Identifiers: ClinVar variation 3640724 (VCV003640724.2).

ClinVar aggregate classification (germline): Uncertain significance (1 of 4 stars; one submission).

Conditions:
Ectodermal dysplasia and immunodeficiency 2. Identifiers: Orphanet 238468, Orphanet 98813, MedGen C2677481, MONDO:0012806, OMIM 612132.

Submission:

Labcorp Genetics (formerly Invitae), Labcorp
Classification: Uncertain significance for Ectodermal dysplasia and immunodeficiency 2. Last evaluated: 2024-02-14. Review status: criteria provided, single submitter. Criteria: Invitae Variant Classification Sherloc (09022015). Collection method: clinical testing. Allele origin: germline.
Comment: This sequence change replaces proline, which is neutral and non-polar, with serine, which is neutral and polar, at codon 170 of the NFKBIA protein (p.Pro170Ser). This variant is not present in population databases (gnomAD no frequency). This variant has not been reported in the literature in individuals affected with NFKBIA-related conditions. An algorithm developed to predict the effect of missense changes on protein structure and function (PolyPhen-2) suggests that this variant is likely to be tolerated. In summary, the available evidence is currently insufficient to determine the role of this variant in disease. Therefore, it has been classified as a Variant of Uncertain Significance.